The following is an entry in ClinVar:

ClinVar aggregate classification (germline): Uncertain significance (1 of 4 stars; one submission).

Allele frequency attached by ClinVar (database versions not stated): gnomAD 0.00003; TOPMed 0.00004; 1000 Genomes Project 0.00160; 1000 Genomes Project 30x 0.00234.
gnomAD v4.1: 673 of 1,614,196 alleles (0.042%); highest among the groups gnomAD compares: South Asian, 0.69%; 8 homozygotes.

Submission:

GeneDx
Classification: Uncertain significance. Last evaluated: 2021-04-29. Review status: criteria provided, single submitter. Criteria: GeneDx Variant Classification Process June 2021. Collection method: clinical testing. Allele origin: germline. Affected: yes.
Comment: In silico analysis supports that this missense variant has a deleterious effect on protein structure/function; Has not been previously published as pathogenic or benign to our knowledge

NM_000692.5(ALDH1B1):c.646C>G (p.Leu216Val)

Gene: ALDH1B1 (aldehyde dehydrogenase 1 family member B1; plus strand). Cytogenetic location: 9p13.1.
Variant type: single nucleotide variant.
Coding change: c.646C>G on transcript NM_000692.5 (MANE Select); coding-DNA position 646, C replaced by G.
Protein change: p.Leu216Val; replaces leucine 216 with valine.
Molecular consequence: missense variant.
Genome position (GRCh38, 1-based): chr9:38,396,394, C>G. VCF-style: chr9-38396394-C-G. GRCh37 (hg19) VCF-style: chr9-38396391-C-G.
Other names: p.L216V:CTC>GTC; short protein forms L216V.
Identifiers: ClinVar variation 214112 (VCV000214112.3), dbSNP rs200322513, ClinGen allele CA324520.
Genomic context (GRCh38, chr9:38,396,394, plus strand): 5'-CTTGCCCCGGCACTCGCCACAGGCAACACTGTGGTTATGAAGGTGGCAGAGCAGACCCCC[C>G]TCTCTGCCCTGTATTTGGCCTCCCTCATCAAGGAGGCAGGCTTTCCCCCTGGGGTGGTGA-3'
Protein context (NP_000683.3, residues 206-226): VVMKVAEQTP[Leu216Val]SALYLASLIK